The following is an entry in ClinVar:

NM_002206.3(ITGA7):c.1266C>T (p.Val422=)

Gene: ITGA7 (integrin subunit alpha 7; minus strand). Cytogenetic location: 12q13.2.
Variant type: single nucleotide variant.
Coding change: c.1266C>T on transcript NM_002206.3 (MANE Select); coding-DNA position 1266, C replaced by T.
Protein change: p.Val422=; no amino-acid change (valine 422 retained).
Molecular consequence: synonymous variant. On other transcripts: 5 prime UTR variant (1).
Genome position (GRCh38, 1-based): chr12:55,697,953, G>A on the plus strand (C>T on the coding strand, the complement: ITGA7 is on the minus strand). VCF-style: chr12-55697953-G-A. GRCh37 (hg19) VCF-style: chr12-56091737-G-A.
Other names: c.1278C>T, p.Val426= (NM_001144996.2, NM_001414029.1); c.987C>T, p.Val329= (NM_001144997.2); c.939C>T, p.Val313= (NM_001367993.1); c.-27C>T (NM_001367994.1); c.1266C>T, p.Val422= (NM_001374465.1, NM_001414034.1); c.1398C>T, p.Val466= (NM_001410977.1); c.1191C>T, p.Val397= (NM_001414030.1); c.1179C>T, p.Val393= (NM_001414031.1); and 3 more.
Identifiers: ClinVar variation 510958 (VCV000510958.9), dbSNP rs1475493786, ClinGen allele CA480149396.

ClinVar aggregate classification (germline): Likely benign. Review status: criteria provided, multiple submitters, no conflicts (2 of 4 stars). 2 submissions from 2 submitters: Likely benign (2). Last evaluated 2025-05-10.

Conditions:
Congenital muscular dystrophy due to integrin alpha-7 deficiency. Also called: MYOPATHY, CONGENITAL, DUE TO INTEGRIN ALPHA-7 DEFICIENCY; Congenital muscular dystrophy with integrin alpha-7 deficiency; Muscular dystrophy, congenital, due to ITGA7 deficiency. Identifiers: Orphanet 34520, MedGen C2750786, MONDO:0013177, OMIM 613204.

Allele frequency attached by ClinVar (database versions not stated): gnomAD exomes below 0.00001 and 0.00001; TOPMed 0.00003; gnomAD 0.00006.
gnomAD v4.1: 23 of 1,614,028 alleles (0.0014%); highest among the groups gnomAD compares: African/African-American, 0.008%; no homozygotes.

Submissions (2):

Labcorp Genetics (formerly Invitae), Labcorp
Classification: Likely benign for Congenital muscular dystrophy due to integrin alpha-7 deficiency. Last evaluated: 2025-05-10. Review status: criteria provided, single submitter. Criteria: Invitae Variant Classification Sherloc (09022015). Collection method: clinical testing. Allele origin: germline.

GeneDx
Classification: Likely benign. Last evaluated: 2017-07-21. Review status: criteria provided, single submitter. Criteria: GeneDx Variant Classification (06012015). Collection method: clinical testing. Allele origin: germline. Affected: yes.
Comment: This variant is considered likely benign or benign based on one or more of the following criteria: it is a conservative change, it occurs at a poorly conserved position in the protein, it is predicted to be benign by multiple in silico algorithms, and/or has population frequency not consistent with disease.